The following is an entry in ClinVar:

NC_000020.10:g.(?_7812350)_(10654278_?)del

Genes: PLCB4 (phospholipase C beta 4; plus strand), PLCB1 (phospholipase C beta 1; plus strand), JAG1 (jagged canonical Notch ligand 1; minus strand), PAK5 (p21 (RAC1) activated kinase 5; minus strand), SNAP25 (synaptosome associated protein 25; plus strand) and 6 more. Cytogenetic location: 20p12.3-12.2.
Variant type: Deletion.
Identifiers: ClinVar variation 3248283 (VCV003248283.1).

ClinVar aggregate classification (germline): Pathogenic. Review status: criteria provided, single submitter (1 of 4 stars). 2 submissions from 1 submitter: Pathogenic (2). Last evaluated 2023-07-17.

Conditions:
Alagille syndrome due to a JAG1 point mutation. Also called: Alagille Syndrome 1; HEPATIC DUCTULAR HYPOPLASIA, SYNDROMATIC; JAG1-Related Alagille Syndrome. Identifiers: Orphanet 261619, Orphanet 52, MedGen C1956125, MONDO:0016862, OMIM 118450.
Developmental and epileptic encephalopathy, 12 (DEE12). Identifiers: MedGen C3150988, MONDO:0013389, OMIM 613722.

Submissions (2):

Labcorp Genetics (formerly Invitae), Labcorp
Classification: Pathogenic for Alagille syndrome due to a JAG1 point mutation. Last evaluated: 2023-07-17. Review status: criteria provided, single submitter. Criteria: Invitae Variant Classification Sherloc (09022015). Collection method: clinical testing. Allele origin: unknown.
Comment: A gross deletion of the genomic region encompassing the full coding sequence of the JAG1 gene has been identified. Loss-of-function variants in JAG1 are known to be pathogenic (PMID: 11180599). The boundaries of this event are unknown as they extend beyond the assayed region for this gene and therefore may encompass additional genes. A similar copy number variant has been observed in individual(s) with Alagille syndrome (PMID: 10213047, 16575836, 19058200, 22382802). For these reasons, this variant has been classified as Pathogenic.

Labcorp Genetics (formerly Invitae), Labcorp
Classification: Pathogenic for Developmental and epileptic encephalopathy, 12. Last evaluated: 2023-03-01. Review status: criteria provided, single submitter. Criteria: Invitae Variant Classification Sherloc (09022015). Collection method: clinical testing. Allele origin: unknown.
Comment: For these reasons, this variant has been classified as Pathogenic. A gross deletion of the genomic region encompassing the full coding sequence of the PLCB1 gene has been identified. Loss-of-function variants in PLCB1 are known to be pathogenic (PMID: 24684524). The boundaries of this event are unknown as they extend beyond the assayed region for this gene and therefore may encompass additional genes. This variant has not been reported in the literature in individuals affected with PLCB1-related conditions.

Literature cited by the submitters: PubMed 11180599; PubMed 10213047; PubMed 16575836; PubMed 19058200; PubMed 22382802; PubMed 24684524.